The following is an entry in ClinVar:

NM_015338.6(ASXL1):c.2108A>G (p.Asn703Ser)

Gene: ASXL1 (ASXL transcriptional regulator 1; plus strand). Cytogenetic location: 20q11.21.
Variant type: single nucleotide variant.
Coding change: c.2108A>G on transcript NM_015338.6 (MANE Select); coding-DNA position 2108, A replaced by G.
Protein change: p.Asn703Ser; replaces asparagine 703 with serine.
Molecular consequence: missense variant.
Genome position (GRCh38, 1-based): chr20:32,434,820, A>G. VCF-style: chr20-32434820-A-G. GRCh37 (hg19) VCF-style: chr20-31022623-A-G.
Other names: c.1925A>G, p.Asn642Ser (NM_001363734.1); short protein forms N703S, N642S.
Identifiers: ClinVar variation 4158961 (VCV004158961.1).
Genomic context (GRCh38, chr20:32,434,820, plus strand): 5'-CCCCTGGAAAGTGTACGTCAGATCTACAGCGAACACAACTACTGCCGCCTTATCCTCTAA[A>G]TGGGGAGCATACCCAGGCCGGAACTGCCATGTCCAGAGCTAGGAGAGAGGACCTGCCTTC-3'
Protein context (NP_056153.2, residues 693-713): RTQLLPPYPL[Asn703Ser]GEHTQAGTAM

ClinVar aggregate classification (germline): Uncertain significance (1 of 4 stars; one submission).

Conditions:
Inborn genetic diseases. Identifiers: MedGen C0950123, MeSH D030342.

gnomAD v4.1: 1 of 1,614,110 alleles (0.000062%); highest among the groups gnomAD compares: Non-Finnish European, 0.000085%; no homozygotes.

Submission:

Ambry Genetics
Classification: Uncertain significance for Inborn genetic diseases. Last evaluated: 2025-08-20. Review status: criteria provided, single submitter. Criteria: Ambry Variant Classification Scheme 2023. Collection method: clinical testing. Allele origin: germline.
Comment: The p.N703S variant (also known as c.2108A>G), located in coding exon 13 of the ASXL1 gene, results from an A to G substitution at nucleotide position 2108. The asparagine at codon 703 is replaced by serine, an amino acid with highly similar properties. This amino acid position is conserved. In addition, this alteration is predicted to be tolerated by in silico analysis. Based on the available evidence, the clinical significance of this variant remains unclear.